The following is an entry in ClinVar:

ClinVar aggregate classification (germline): Likely benign (1 of 4 stars; one submission).

Conditions:
SEMA7A-related disorder. Also called: SEMA7A-related condition.

gnomAD v4.1: 1 of 1,612,334 alleles (0.000062%); no homozygotes.

Submission:

PreventionGenetics, part of Exact Sciences
Classification: Likely benign for SEMA7A-related condition. Last evaluated: 2026-01-13. Review status: criteria provided, single submitter. Criteria: ACMG Guidelines, 2015. Collection method: clinical testing. Allele origin: germline.
Comment: This variant is classified as likely benign based on ACMG/AMP sequence variant interpretation guidelines (Richards et al. 2015 PMID: 25741868, with internal and published modifications).

NM_003612.5(SEMA7A):c.331-6C>T

Gene: SEMA7A (semaphorin 7A (JohnMiltonHagen blood group); minus strand). Cytogenetic location: 15q24.1.
Variant type: single nucleotide variant.
Coding change: c.331-6C>T on transcript NM_003612.5 (MANE Select); 6 bases into the intron before coding-DNA position 331, C replaced by T.
Molecular consequence: intron variant.
Genome position (GRCh38, 1-based): chr15:74,418,315, G>A on the plus strand (C>T on the coding strand, the complement: SEMA7A is on the minus strand). VCF-style: chr15-74418315-G-A. GRCh37 (hg19) VCF-style: chr15-74710656-G-A.
Other names: c.331-346C>T (NM_001146029.3); c.-165-6C>T (NM_001146030.3).
Identifiers: ClinVar variation 4986785 (VCV004986785.1).